The following is an entry in ClinVar:

NM_020549.5(CHAT):c.1123C>T (p.Arg375Trp)

Gene: CHAT (choline O-acetyltransferase; plus strand). Cytogenetic location: 10q11.23.
Variant type: single nucleotide variant.
Coding change: c.1123C>T on transcript NM_020549.5 (MANE Select); coding-DNA position 1123, C replaced by T.
Protein change: p.Arg375Trp; replaces arginine 375 with tryptophan.
Molecular consequence: missense variant.
Genome position (GRCh38, 1-based): chr10:49,646,516, C>T. VCF-style: chr10-49646516-C-T. GRCh37 (hg19) VCF-style: chr10-50854562-C-T.
Other names: c.769C>T, p.Arg257Trp (NM_020984.4, NM_020985.4, NM_001142929.2 and 2 more transcripts); c.877C>T, p.Arg293Trp (NM_001142933.2); short protein forms R257W, R293W, R375W.
Identifiers: ClinVar variation 702782 (VCV000702782.13), dbSNP rs141794970, ClinGen allele CA5497392.

ClinVar aggregate classification (germline): Benign. Review status: criteria provided, multiple submitters, no conflicts (2 of 4 stars). 3 submissions from 3 submitters: Benign (2). 1 of the submissions does not count toward it. Last evaluated 2026-01-18.

Conditions:
CHAT-related disorder. Also called: CHAT-related condition.
Familial infantile myasthenia (CMS6). Also called: MYASTHENIC SYNDROME, CONGENITAL, 6, PRESYNAPTIC; Congenital myasthenic syndrome type 6; MYASTHENIC SYNDROME, PRESYNAPTIC, CONGENITAL, ASSOCIATED WITH EPISODIC APNEA. Identifiers: Orphanet 590, MedGen C0393929, MONDO:0009689, OMIM 254210.

Allele frequency attached by ClinVar (database versions not stated): gnomAD 0.00013; TOPMed 0.00028; ESP Exome Variant Server 0.00054.
gnomAD v4.1: 405 of 1,614,062 alleles (0.025%); highest among the groups gnomAD compares: Admixed American, 0.015%; 2 homozygotes.

Submissions (3):

Labcorp Genetics (formerly Invitae), Labcorp
Classification: Benign for Familial infantile myasthenia. Last evaluated: 2026-01-18. Review status: criteria provided, single submitter. Criteria: Invitae Variant Classification Sherloc (09022015). Collection method: clinical testing. Allele origin: germline.

Breakthrough Genomics
Classification: Benign. Review status: criteria provided, single submitter. Criteria: ACMG Guidelines, 2015. Collection method: not provided. Allele origin: germline. Inheritance: Autosomal recessive inheritance. Affected: yes.

PreventionGenetics, part of Exact Sciences
Classification: Likely benign for CHAT-related condition. Last evaluated: 2020-07-28. Review status: no assertion criteria provided. Collection method: clinical testing. Allele origin: germline. Not counted in ClinVar's aggregate classification.
Comment: This variant is classified as likely benign based on ACMG/AMP sequence variant interpretation guidelines (Richards et al. 2015 PMID: 25741868, with internal and published modifications).